The following is an entry in ClinVar:

ClinVar aggregate classification (germline): Uncertain significance. Review status: criteria provided, multiple submitters, no conflicts (2 of 4 stars). 4 submissions from 4 submitters: Uncertain significance (3). 1 of the submissions does not count toward it. Last evaluated 2025-12-26.

Conditions:
Inborn genetic diseases. Identifiers: MedGen C0950123, MeSH D030342.
CACNA1D-related disorder.

Allele frequency attached by ClinVar (database versions not stated): gnomAD 0.00001 and 0.00002; gnomAD exomes 0.00001; TOPMed 0.00009.
gnomAD v4.1: 14 of 1,613,962 alleles (0.00087%); highest among the groups gnomAD compares: Admixed American, 0.0083%; no homozygotes.

Submissions (4):

Labcorp Genetics (formerly Invitae), Labcorp
Classification: Uncertain significance. Last evaluated: 2025-12-26. Review status: criteria provided, single submitter. Criteria: Invitae Variant Classification Sherloc (09022015). Collection method: clinical testing. Allele origin: germline.
Comment: This sequence change replaces isoleucine, which is neutral and non-polar, with valine, which is neutral and non-polar, at codon 560 of the CACNA1D protein (p.Ile560Val). This variant is not present in population databases (gnomAD no frequency). This variant has not been reported in the literature in individuals affected with CACNA1D-related conditions. ClinVar contains an entry for this variant (Variation ID: 1393383). Invitae Evidence Modeling of protein sequence and biophysical properties (such as structural, functional, and spatial information, amino acid conservation, physicochemical variation, residue mobility, and thermodynamic stability) indicates that this missense variant is not expected to disrupt CACNA1D protein function with a negative predictive value of 80%. In summary, the available evidence is currently insufficient to determine the role of this variant in disease. Therefore, it has been classified as a Variant of Uncertain Significance.

Ambry Genetics
Classification: Uncertain significance for Inborn genetic diseases. Last evaluated: 2024-11-25. Review status: criteria provided, single submitter. Criteria: Ambry Variant Classification Scheme 2023. Collection method: clinical testing. Allele origin: germline.

Greenwood Genetic Center Diagnostic Laboratories, Greenwood Genetic Center
Classification: Uncertain significance. Last evaluated: 2022-12-13. Review status: criteria provided, single submitter. Criteria: ACMG Guidelines, 2015. Collection method: clinical testing. Allele origin: germline. Affected: yes.
Comment: PM2

PreventionGenetics, part of Exact Sciences
Classification: Uncertain significance for CACNA1D-related condition. Last evaluated: 2023-11-22. Review status: no assertion criteria provided. Collection method: clinical testing. Allele origin: germline. Not counted in ClinVar's aggregate classification.
Comment: The CACNA1D c.1678A>G variant is predicted to result in the amino acid substitution p.Ile560Val. To our knowledge, this variant has not been reported in the literature or in a large population database, indicating this variant is rare. At this time, the clinical significance of this variant is uncertain due to the absence of conclusive functional and genetic evidence.

NM_001128840.3(CACNA1D):c.1618A>G (p.Ile540Val)

Gene: CACNA1D (calcium voltage-gated channel subunit alpha1 D; plus strand). Cytogenetic location: 3p21.1.
Variant type: single nucleotide variant.
Coding change: c.1618A>G on transcript NM_001128840.3 (MANE Select); coding-DNA position 1618, A replaced by G.
Protein change: p.Ile540Val; replaces isoleucine 540 with valine.
Molecular consequence: missense variant.
Genome position (GRCh38, 1-based): chr3:53,722,426, A>G. VCF-style: chr3-53722426-A-G. GRCh37 (hg19) VCF-style: chr3-53756453-A-G.
Other names: c.1678A>G, p.Ile560Val (NM_000720.4); c.1618A>G, p.Ile540Val (NM_001128839.3); c.1678A>G (NM_000720.3, NM_000720.2); short protein forms I560V, I540V.
Identifiers: ClinVar variation 1393383 (VCV001393383.14), dbSNP rs200258942, ClinGen allele CA74847467.